The following is an entry in ClinVar:

NM_001723.7(DST):c.4303T>G (p.Ser1435Ala)

Gene: DST (dystonin; minus strand). Cytogenetic location: 6p12.1.
Variant type: single nucleotide variant.
Coding change: c.4303T>G on transcript NM_001723.7 (MANE Plus Clinical); coding-DNA position 4303, T replaced by G.
Protein change: p.Ser1435Ala; replaces serine 1435 with alanine.
Molecular consequence: missense variant. On other transcripts: intron variant (10).
Genome position (GRCh38, 1-based): chr6:56,619,731, A>C on the plus strand (T>G on the coding strand, the complement: DST is on the minus strand). VCF-style: chr6-56619731-A-C. GRCh37 (hg19) VCF-style: chr6-56484529-A-C.
Other names: c.4830+4799T>G (NM_001144769.5); c.4929+4799T>G (NM_001374722.1, NM_001374736.1); c.4956+4799T>G (NM_001374734.1); c.4416+4799T>G (NM_001144770.2); c.4296+4799T>G (NM_001374730.1, NM_001386100.1, NM_183380.4 and 1 more transcripts); c.3318+4799T>G (NM_015548.5); short protein forms S1435A.
Identifiers: ClinVar variation 863287 (VCV000863287.8), dbSNP rs376524283, ClinGen allele CA139209656.

ClinVar aggregate classification (germline): Uncertain significance. Review status: criteria provided, multiple submitters, no conflicts (2 of 4 stars). 2 submissions from 2 submitters: Uncertain significance (2). Last evaluated 2024-08-04.

Conditions:
Hereditary sensory and autonomic neuropathy type 6. Also called: HSAN VI; Neuropathy, hereditary sensory and autonomic, type VI. Identifiers: Orphanet 314381, MedGen C3539003, MONDO:0013839, OMIM 614653.
Epidermolysis bullosa simplex 3, localized or generalized intermediate, with BP230 deficiency (EBS3). Also called: Epidermolysis bullosa simplex, autosomal recessive 2; Epidermolysis bullosa simplex due to BP230 deficiency. Identifiers: Orphanet 412181, MedGen C3809470, MONDO:0014180, OMIM 615425.

Allele frequency attached by ClinVar (database versions not stated): TOPMed below 0.00001; ESP Exome Variant Server 0.00008.

Submissions (2):

GeneDx
Classification: Uncertain significance. Last evaluated: 2024-08-04. Review status: criteria provided, single submitter. Criteria: GeneDx Variant Classification Process June 2021. Collection method: clinical testing. Allele origin: germline. Affected: yes.
Comment: Not observed at significant frequency in large population cohorts (gnomAD); In silico analysis indicates that this missense variant does not alter protein structure/function; Has not been previously published as pathogenic or benign to our knowledge; Reported using the transcript encoding the epithelial isoform of the gene

Labcorp Genetics (formerly Invitae), Labcorp
Classification: Uncertain significance for Epidermolysis bullosa simplex 3, localized or generalized intermediate, with BP230 deficiency; Hereditary sensory and autonomic neuropathy type 6. Last evaluated: 2021-08-27. Review status: criteria provided, single submitter. Criteria: Invitae Variant Classification Sherloc (09022015). Collection method: clinical testing. Allele origin: germline.
Comment: This sequence change replaces serine with alanine at codon 1435 of the DST protein (p.Ser1435Ala). The serine residue is moderately conserved and there is a moderate physicochemical difference between serine and alanine. This variant is not present in population databases (ExAC no frequency). This variant has not been reported in the literature in individuals affected with DST-related conditions. Algorithms developed to predict the effect of missense changes on protein structure and function are either unavailable or do not agree on the potential impact of this missense change (SIFT: "Deleterious"; PolyPhen-2: "Benign"; Align-GVGD: "Class C25"). Algorithms developed to predict the effect of sequence changes on RNA splicing suggest that this variant may create or strengthen a splice site. In summary, the available evidence is currently insufficient to determine the role of this variant in disease. Therefore, it has been classified as a Variant of Uncertain Significance.